The following is an entry in ClinVar:

NM_181458.4(PAX3):c.1114C>T (p.Pro372Ser)

Genes: PAX3 (paired box 3; minus strand), LOC126806529 (CDK7 strongly-dependent group 2 enhancer GRCh37_chr2:223084735-223085934; plus strand). Cytogenetic location: 2q36.1.
Variant type: single nucleotide variant.
Coding change: c.1114C>T on transcript NM_181458.4 (MANE Select); coding-DNA position 1114, C replaced by T.
Protein change: p.Pro372Ser; replaces proline 372 with serine.
Molecular consequence: missense variant.
Genome position (GRCh38, 1-based): chr2:222,220,199, G>A on the plus strand (C>T on the coding strand, the complement: PAX3 is on the minus strand). VCF-style: chr2-222220199-G-A. GRCh37 (hg19) VCF-style: chr2-223084918-G-A.
Other names: c.1111C>T, p.Pro371Ser (NM_001127366.3); c.1114C>T, p.Pro372Ser (NM_181457.4, NM_181459.4, NM_181460.4 and 1 more transcripts); short protein forms P372S, P371S.
Identifiers: ClinVar variation 4744978 (VCV004744978.1).

ClinVar aggregate classification (germline): Uncertain significance (1 of 4 stars; one submission).

Submission:

Labcorp Genetics (formerly Invitae), Labcorp
Classification: Uncertain significance. Last evaluated: 2025-12-09. Review status: criteria provided, single submitter. Criteria: Invitae Variant Classification Sherloc (09022015). Collection method: clinical testing. Allele origin: germline.
Comment: This sequence change replaces proline, which is neutral and non-polar, with serine, which is neutral and polar, at codon 372 of the PAX3 protein (p.Pro372Ser). This variant is not present in population databases (gnomAD no frequency). This variant has not been reported in the literature in individuals affected with PAX3-related conditions. Invitae Evidence Modeling of protein sequence and biophysical properties (such as structural, functional, and spatial information, amino acid conservation, physicochemical variation, residue mobility, and thermodynamic stability) indicates that this missense variant is not expected to disrupt PAX3 protein function with a negative predictive value of 80%. In summary, the available evidence is currently insufficient to determine the role of this variant in disease. Therefore, it has been classified as a Variant of Uncertain Significance.